The following is an entry in ClinVar:

NM_000245.4(MET):c.737C>T (p.Pro246Leu)

Gene: MET (MET proto-oncogene, receptor tyrosine kinase; plus strand). Cytogenetic location: 7q31.2.
Variant type: single nucleotide variant.
Coding change: c.737C>T on transcript NM_000245.4 (MANE Select); coding-DNA position 737, C replaced by T.
Protein change: p.Pro246Leu; replaces proline 246 with leucine.
Molecular consequence: missense variant. On other transcripts: intron variant (1).
Genome position (GRCh38, 1-based): chr7:116,699,821, C>T. VCF-style: chr7-116699821-C-T. GRCh37 (hg19) VCF-style: chr7-116339875-C-T.
Other names: c.737C>T, p.Pro246Leu (NM_001127500.3, NM_001324401.3); c.-91+27244C>T (NM_001324402.2); short protein forms P246L.
Identifiers: ClinVar variation 1758606 (VCV001758606.2), dbSNP rs2116596570, ClinGen allele CA368969739.

ClinVar aggregate classification (germline): Uncertain significance (1 of 4 stars; one submission).

Conditions:
Hereditary cancer-predisposing syndrome. Also called: Neoplastic Syndromes, Hereditary; Tumor predisposition; Hereditary Cancer Syndrome; Hereditary neoplastic syndrome. Identifiers: Orphanet 140162, MedGen C0027672, MeSH D009386, MONDO:0015356.

Allele frequency attached by ClinVar (database versions not stated): gnomAD exomes below 0.00001.
gnomAD v4.1: 2 of 1,614,080 alleles (0.00012%); highest among the groups gnomAD compares: Non-Finnish European, 0.00017%; no homozygotes.

Submission:

Ambry Genetics
Classification: Uncertain significance for Hereditary cancer-predisposing syndrome. Last evaluated: 2021-03-12. Review status: criteria provided, single submitter. Criteria: Ambry Variant Classification Scheme 2023. Collection method: clinical testing. Allele origin: germline.
Comment: The p.P246L variant (also known as c.737C>T), located in coding exon 1 of the MET gene, results from a C to T substitution at nucleotide position 737. The proline at codon 246 is replaced by leucine, an amino acid with similar properties. This amino acid position is well conserved in available vertebrate species. In addition, this alteration is predicted to be tolerated by in silico analysis. Since supporting evidence is limited at this time, the clinical significance of this alteration remains unclear.